The following is an entry in ClinVar:

NM_001123385.2(BCOR):c.1136_1139del (p.Val379fs)

Genes: BCOR (BCL6 corepressor; minus strand), LOC126863239 (MED14-independent group 3 enhancer GRCh37_chrX:39932994-39934193; plus strand). Cytogenetic location: Xp11.4.
Variant type: Deletion.
Coding change: c.1136_1139del on transcript NM_001123385.2 (MANE Select); coding-DNA positions 1136 to 1139, 4 bases deleted (TTAG; older notation c.1136_1139delTTAG).
Protein change: p.Val379fs; shifts the reading frame from valine 379.
Molecular consequence: frameshift variant.
Genome position (GRCh38, 1-based): chrX:40,074,207-40,074,210, CTAA deleted on the plus strand (TTAG on the coding strand, the reverse complement: BCOR is on the minus strand); deleting any 4 consecutive bases within chrX:40,074,207-40,074,212 gives the same sequence; the c. name uses the placement nearest the transcript's 3' end. VCF-style (leftmost placement, unchanged base first): chrX-40074206-GCTAA-G. GRCh37 (hg19) VCF-style: chrX-39933459-GCTAA-G.
Other names: c.1134_1137delAGTT, p.Val379Alafs (NM_001123383.2, NM_001123385.1); c.1136_1139del, p.Val379fs (NM_001123384.2, NM_017745.6); short protein forms V379fs.
Identifiers: ClinVar variation 217354 (VCV000217354.4), dbSNP rs864309702, ClinGen allele CA278810.

ClinVar aggregate classification (germline): Pathogenic. Review status: criteria provided, multiple submitters, no conflicts (2 of 4 stars). 3 submissions from 3 submitters: Pathogenic (2). 1 of the submissions does not count toward it. Last evaluated 2025-12-09.

Conditions:
Oculofaciocardiodental syndrome (MCOPS2). Identifiers: Orphanet 2712, MedGen C1846265, MONDO:0010261, OMIM 300166.
Developmental cataract. Also called: Congenital cataracts; Bilateral cataracts; Congenital cataract. Identifiers: MedGen C0009691, HP:0000519.

Submissions (3):

3billion
Classification: Pathogenic for Oculofaciocardiodental syndrome. Last evaluated: 2025-12-09. Review status: criteria provided, single submitter. Criteria: ACMG Guidelines, 2015. Collection method: clinical testing. Allele origin: germline. Affected: yes.
Comment: The variant is not observed in the gnomAD v4.1.0 dataset. Predicted Consequence/Location: Frameshift: predicted to result in a loss or disruption of normal protein function through nonsense-mediated decay (NMD) or protein truncation. Multiple pathogenic variants are reported downstream of the variant. The variant has been reported to be associated with BCOR-related disorder (ClinVar ID: VCV000217354 /PMID: 26694549). Therefore, this variant is classified as Pathogenic according to the recommendation of ACMG/AMP guideline.

GeneDx
Classification: Pathogenic. Last evaluated: 2022-01-08. Review status: criteria provided, single submitter. Criteria: GeneDx Variant Classification Process June 2021. Collection method: clinical testing. Allele origin: germline. Affected: yes.
Comment: Frameshift variant predicted to result in protein truncation or nonsense mediated decay in a gene for which loss-of-function is a known mechanism of disease; Not observed at significant frequency in large population cohorts (gnomAD); This variant is associated with the following publications: (PMID: 26694549, 33258138)

Eye Genetics Research Group, Children's Medical Research Institute
Classification: Pathogenic for Developmental cataract. Last evaluated: 2015-01-09. Review status: no assertion criteria provided. Collection method: research. Allele origin: de novo. Affected: yes. Not counted in ClinVar's aggregate classification.

Literature cited by the submitters: PubMed 26694549 (cited by 3billion and Eye Genetics Research Group, Children's Medical Research Institute).